The following is an entry in ClinVar:

NM_001008216.2(GALE):c.351+2T>C

Gene: GALE (UDP-galactose-4-epimerase; minus strand). Cytogenetic location: 1p36.11.
Variant type: single nucleotide variant.
Coding change: c.351+2T>C on transcript NM_001008216.2 (MANE Select); the canonical splice donor site of the intron after coding-DNA position 351, T replaced by C.
Molecular consequence: splice donor variant.
Genome position (GRCh38, 1-based): chr1:23,798,115, A>G on the plus strand (T>C on the coding strand, the complement: GALE is on the minus strand). VCF-style: chr1-23798115-A-G. GRCh37 (hg19) VCF-style: chr1-24124605-A-G.
Other names: c.351+2T>C (NM_000403.4, NM_001127621.2).
Identifiers: ClinVar variation 2849902 (VCV002849902.3), dbSNP rs2521310914, ClinGen allele CA339013241.
Genomic context (GRCh38, chr1:23,798,115, plus strand): 5'-TGCCAGGCTGGGGTCCAGCTGGACACCCTCCTAGTGTCTGTGCCCTGTCCCATGCCTCTC[A>G]CCTCCAGAAGCTGGATGGTCCCGGTCAGGTTAACTCTGTAATAATCCAGAGGCTTCTGCA-3'

ClinVar aggregate classification (germline): Likely pathogenic (1 of 4 stars; one submission).

Conditions:
UDPglucose-4-epimerase deficiency. Also called: GALACTOSEMIA III; GALE DEFICIENCY; Epimerase Deficiency Galactosemia; UDP-GALACTOSE-4-EPIMERASE DEFICIENCY; Galactose epimerase deficiency; UDPglucose 4-Epimerase Deficiency Disease. Identifiers: Orphanet 352, Orphanet 79238, MedGen C0751161, MONDO:0009257, OMIM 230350.

Submission:

Labcorp Genetics (formerly Invitae), Labcorp
Classification: Likely pathogenic for UDPglucose-4-epimerase deficiency. Last evaluated: 2024-02-26. Review status: criteria provided, single submitter. Criteria: Invitae Variant Classification Sherloc (09022015). Collection method: clinical testing. Allele origin: germline.
Comment: This sequence change affects a donor splice site in intron 5 of the GALE gene. It is expected to disrupt RNA splicing. Variants that disrupt the donor or acceptor splice site typically lead to a loss of protein function (PMID: 16199547), and loss-of-function variants in GALE are known to be pathogenic (PMID: 16301867). This variant is not present in population databases (gnomAD no frequency). This variant has not been reported in the literature in individuals affected with GALE-related conditions. Algorithms developed to predict the effect of sequence changes on RNA splicing suggest that this variant may disrupt the consensus splice site. In summary, the currently available evidence indicates that the variant is pathogenic, but additional data are needed to prove that conclusively. Therefore, this variant has been classified as Likely Pathogenic.

Literature cited by the submitters: PubMed 16199547; PubMed 16301867.